The following is an entry in ClinVar:

ClinVar aggregate classification (germline): Likely benign. Review status: criteria provided, multiple submitters, no conflicts (2 of 4 stars). 2 submissions from 2 submitters: Likely benign (2). Last evaluated 2025-06-20.

Conditions:
DLC1-related disorder. Also called: DLC1-related condition.

Allele frequency attached by ClinVar (database versions not stated): ExAC 0.00001; gnomAD exomes 0.00003; gnomAD 0.00004; ESP Exome Variant Server 0.00008.
gnomAD v4.1: 45 of 1,614,014 alleles (0.0028%); highest among the groups gnomAD compares: African/African-American, 0.008%; no homozygotes.

Submissions (2):

Labcorp Genetics (formerly Invitae), Labcorp
Classification: Likely benign. Last evaluated: 2025-06-20. Review status: criteria provided, single submitter. Criteria: Invitae Variant Classification Sherloc (09022015). Collection method: clinical testing. Allele origin: germline.

PreventionGenetics, part of Exact Sciences
Classification: Likely benign for DLC1-related condition. Last evaluated: 2024-11-13. Review status: criteria provided, single submitter. Criteria: ACMG Guidelines, 2015. Collection method: clinical testing. Allele origin: germline.
Comment: This variant is classified as likely benign based on ACMG/AMP sequence variant interpretation guidelines (Richards et al. 2015 PMID: 25741868, with internal and published modifications).

NM_182643.3(DLC1):c.3348G>A (p.Ser1116=)

Gene: DLC1 (DLC1 Rho GTPase activating protein; minus strand). Cytogenetic location: 8p22.
Variant type: single nucleotide variant.
Coding change: c.3348G>A on transcript NM_182643.3 (MANE Select); coding-DNA position 3348, G replaced by A.
Protein change: p.Ser1116=; no amino-acid change (serine 1116 retained).
Molecular consequence: synonymous variant.
Genome position (GRCh38, 1-based): chr8:13,094,937, C>T on the plus strand (G>A on the coding strand, the complement: DLC1 is on the minus strand). VCF-style: chr8-13094937-C-T. GRCh37 (hg19) VCF-style: chr8-12952446-C-T.
Other names: c.1815G>A, p.Ser605= (NM_001164271.2, NM_001348082.2, NM_001348083.1 and 6 more transcripts); c.2139G>A, p.Ser713= (NM_001316668.2, NM_001413129.1); c.3348G>A, p.Ser1116= (NM_001348081.2, NM_001413124.1); c.2130G>A, p.Ser710= (NM_001413130.1); c.1788G>A, p.Ser596= (NM_001413131.1, NM_001413137.1); c.2274G>A, p.Ser758= (NM_001413132.1); c.3348G>A (NM_182643.2); c.2037G>A, p.Ser679= (NM_001413135.1, NM_001413136.1, NM_001413139.1 and 1 more transcripts); and 1 more.
Identifiers: ClinVar variation 2065069 (VCV002065069.5), dbSNP rs369458493, ClinGen allele CA4638340.